The following is an entry in ClinVar:

NM_006766.5(KAT6A):c.1842_1846del (p.Phe615fs)

Gene: KAT6A (lysine acetyltransferase 6A; minus strand). Cytogenetic location: 8p11.21.
Variant type: Deletion.
Coding change: c.1842_1846del on transcript NM_006766.5 (MANE Select); coding-DNA positions 1842 to 1846, 5 bases deleted (TTTTT; older notation c.1842_1846delTTTTT).
Protein change: p.Phe615fs; shifts the reading frame from phenylalanine 615.
Molecular consequence: frameshift variant.
Genome position (GRCh38, 1-based): chr8:41,947,807-41,947,811, AAAAA deleted on the plus strand (TTTTT on the coding strand, the reverse complement: KAT6A is on the minus strand); deleting any 5 consecutive bases within chr8:41,947,807-41,947,812 gives the same sequence; the c. name uses the placement nearest the transcript's 3' end. VCF-style (leftmost placement, unchanged base first): chr8-41947806-TAAAAA-T. GRCh37 (hg19) VCF-style: chr8-41805324-TAAAAA-T.
Other names: c.1842_1846del, p.Phe615fs (NM_001305878.2); short protein forms F615fs.
Identifiers: ClinVar variation 4874881 (VCV004874881.2).

ClinVar aggregate classification (germline): Pathogenic (1 of 4 stars; one submission).

Submission:

CeGaT Center for Human Genetics Tuebingen
Classification: Pathogenic. Last evaluated: 2026-05-01. Review status: criteria provided, single submitter. Criteria: CeGaT Center For Human Genetics Tuebingen Variant Classification Criteria Version 2. Collection method: clinical testing. Allele origin: germline. Affected: yes. Observed: 1 variant allele.
Comment: KAT6A: PVS1, PM2